The following is an entry in ClinVar:

ClinVar aggregate classification (germline): Uncertain significance (1 of 4 stars; one submission).

Conditions:
Cardiovascular phenotype. Identifiers: MedGen CN230736.

Submission:

Ambry Genetics
Classification: Uncertain significance for Cardiovascular phenotype. Last evaluated: 2025-03-03. Review status: criteria provided, single submitter. Criteria: Ambry Variant Classification Scheme 2023. Collection method: clinical testing. Allele origin: germline.
Comment: The p.S719C variant (also known as c.2156C>G), located in coding exon 14 of the DSC2 gene, results from a C to G substitution at nucleotide position 2156. The serine at codon 719 is replaced by cysteine, an amino acid with dissimilar properties. This amino acid position is conserved. In addition, this alteration is predicted to be tolerated by in silico analysis. Based on the available evidence, the clinical significance of this variant remains unclear.

NM_024422.6(DSC2):c.2156C>G (p.Ser719Cys)

Gene: DSC2 (desmocollin 2; minus strand). Cytogenetic location: 18q12.1.
Variant type: single nucleotide variant.
Coding change: c.2156C>G on transcript NM_024422.6 (MANE Select); coding-DNA position 2156, C replaced by G.
Protein change: p.Ser719Cys; replaces serine 719 with cysteine.
Molecular consequence: missense variant.
Genome position (GRCh38, 1-based): chr18:31,070,820, G>C on the plus strand (C>G on the coding strand, the complement: DSC2 is on the minus strand). VCF-style: chr18-31070820-G-C. GRCh37 (hg19) VCF-style: chr18-28650786-G-C.
Other names: c.1727C>G, p.Ser576Cys (NM_001406506.1, NM_001406507.1); c.2156C>G, p.Ser719Cys (NM_004949.5); short protein forms S719C, S576C.
Identifiers: ClinVar variation 3842527 (VCV003842527.1).